The following is an entry in ClinVar:

NM_001267550.2(TTN):c.26655C>T (p.Ser8885=)

Gene: TTN (titin; minus strand). Cytogenetic location: 2q31.2.
Variant type: single nucleotide variant.
Coding change: c.26655C>T on transcript NM_001267550.2 (MANE Select); coding-DNA position 26655, C replaced by T.
Protein change: p.Ser8885=; no amino-acid change (serine 8885 retained).
Molecular consequence: synonymous variant. On other transcripts: intron variant (3).
Genome position (GRCh38, 1-based): chr2:178,714,003, G>A on the plus strand (C>T on the coding strand, the complement: TTN is on the minus strand). VCF-style: chr2-178714003-G-A. GRCh37 (hg19) VCF-style: chr2-179578730-G-A.
Other names: p.S8568S:TCC>TCT; p.Ser7641=; c.22923C>T, p.Ser7641= (NM_133378.4); c.13282+24079C>T (NM_003319.4); c.13858+24079C>T (NM_133437.4); c.13657+24079C>T (NM_133432.3); c.25704C>T, p.Ser8568= (NM_001256850.1).
Identifiers: ClinVar variation 46784 (VCV000046784.35), dbSNP rs2562839, ClinGen allele CA282999.

ClinVar aggregate classification (germline): Benign. Review status: criteria provided, multiple submitters, no conflicts (2 of 4 stars). 22 submissions from 15 submitters: Benign (20). 2 of the submissions do not count toward it. Last evaluated 2026-02-04.

Conditions:
Cardiovascular phenotype. Identifiers: MedGen CN230736.
Dilated cardiomyopathy 1G (CMD1G). Identifiers: Orphanet 154, MedGen C1858763, MONDO:0011400, OMIM 604145.
Autosomal recessive limb-girdle muscular dystrophy type 2J (LGMDR10). Also called: MUSCULAR DYSTROPHY, LIMB-GIRDLE, AUTOSOMAL RECESSIVE 10; Limb-girdle muscular dystrophy, type 2J. Identifiers: Orphanet 140922, MedGen C1837342, MONDO:0012127, OMIM 608807.
Early-onset myopathy with fatal cardiomyopathy (CMYO5). Also called: CONGENITAL MYOPATHY 5 WITH CARDIOMYOPATHY; Salih Myopathy. Identifiers: Orphanet 289377, MedGen C2673677, MONDO:0012714, OMIM 611705. Disease mechanism: loss of function.
Myopathy, myofibrillar, 9, with early respiratory failure (MFM9). Also called: Myopathy, distal, with early respiratory failure, autosomal dominant; Hereditary myopathy with early respiratory failure; MYOPATHY, PROXIMAL, WITH EARLY RESPIRATORY MUSCLE INVOLVEMENT; EDSTROM MYOPATHY. Identifiers: Orphanet 178464, Orphanet 34521, MedGen C1863599, MONDO:0011362, OMIM 603689.
Tibial muscular dystrophy (TMD). Also called: Udd Distal Myopathy – Tibial Muscular Dystrophy; Tibial muscular dystrophy, tardive; UDD MYOPATHY. Identifiers: Orphanet 609, MedGen C1838244, MONDO:0010870, OMIM 600334.

Allele frequency attached by ClinVar (database versions not stated): gnomAD 0.30400 and 0.29759; 1000 Genomes Project 0.44469; ESP Exome Variant Server 0.26415; ExAC 0.30605; TOPMed 0.32286; gnomAD exomes 0.23995 and 0.30797; 1000 Genomes Project 30x 0.43973.
gnomAD v4.1: 398,299 of 1,612,968 alleles (25%); highest among the groups gnomAD compares: East Asian, 65%; 58,094 homozygotes.

Submissions (22):

Labcorp Genetics (formerly Invitae), Labcorp
Classification: Benign for Dilated cardiomyopathy 1G; Autosomal recessive limb-girdle muscular dystrophy type 2J. Last evaluated: 2026-02-04. Review status: criteria provided, single submitter. Criteria: Invitae Variant Classification Sherloc (09022015). Collection method: clinical testing. Allele origin: germline.

Genome-Nilou Lab
Classification: Benign for Autosomal recessive limb-girdle muscular dystrophy type 2J. Last evaluated: 2021-09-10. Review status: criteria provided, single submitter. Criteria: ACMG Guidelines, 2015. Collection method: clinical testing. Allele origin: germline. Affected: no.

Genome-Nilou Lab
Classification: Benign for Myopathy, myofibrillar, 9, with early respiratory failure. Last evaluated: 2021-09-10. Review status: criteria provided, single submitter. Criteria: ACMG Guidelines, 2015. Collection method: clinical testing. Allele origin: germline. Affected: no.

Genome-Nilou Lab
Classification: Benign for Early-onset myopathy with fatal cardiomyopathy. Last evaluated: 2021-09-10. Review status: criteria provided, single submitter. Criteria: ACMG Guidelines, 2015. Collection method: clinical testing. Allele origin: germline. Affected: no.

Genome-Nilou Lab
Classification: Benign for Tibial muscular dystrophy. Last evaluated: 2021-09-10. Review status: criteria provided, single submitter. Criteria: ACMG Guidelines, 2015. Collection method: clinical testing. Allele origin: germline. Affected: no.

Women's Health and Genetics/Laboratory Corporation of America, LabCorp
Classification: Benign. Last evaluated: 2019-08-16. Review status: criteria provided, single submitter. Criteria: LabCorp Variant Classification Summary - May 2015. Collection method: clinical testing. Allele origin: germline.

Athena Diagnostics
Classification: Benign. Last evaluated: 2018-09-24. Review status: criteria provided, single submitter. Criteria: Athena Diagnostics Criteria. Collection method: clinical testing. Allele origin: germline.

Illumina Laboratory Services, Illumina
Classification: Benign for Early-onset myopathy with fatal cardiomyopathy. Last evaluated: 2018-01-13. Review status: criteria provided, single submitter. Criteria: ICSL Variant Classification Criteria 13 December 2019. Collection method: clinical testing. Allele origin: germline.
Comment: This variant was observed in the ICSL laboratory as part of a predisposition screen in an ostensibly healthy population. It had not been previously curated by ICSL or reported in the Human Gene Mutation Database (HGMD: prior to June 1st, 2018), and was therefore a candidate for classification through an automated scoring system. Utilizing variant allele frequency, disease prevalence and penetrance estimates, and inheritance mode, an automated score was calculated to assess if this variant is too frequent to cause the disease. Based on the score and internal cut-off values, a variant classified as benign is not then subjected to further curation. The score for this variant resulted in a classification of benign for this disease.

Illumina Laboratory Services, Illumina
Classification: Benign for Dilated cardiomyopathy 1G. Last evaluated: 2018-01-13. Review status: criteria provided, single submitter. Criteria: ICSL Variant Classification Criteria 13 December 2019. Collection method: clinical testing. Allele origin: germline.
Comment: the same text as in the submission from Illumina Laboratory Services, Illumina above.

Illumina Laboratory Services, Illumina
Classification: Benign for Tibial muscular dystrophy. Last evaluated: 2018-01-13. Review status: criteria provided, single submitter. Criteria: ICSL Variant Classification Criteria 13 December 2019. Collection method: clinical testing. Allele origin: germline.
Comment: the same text as in the submission from Illumina Laboratory Services, Illumina above.

Illumina Laboratory Services, Illumina
Classification: Benign for Myopathy, myofibrillar, 9, with early respiratory failure. Last evaluated: 2018-01-13. Review status: criteria provided, single submitter. Criteria: ICSL Variant Classification Criteria 13 December 2019. Collection method: clinical testing. Allele origin: germline.
Comment: the same text as in the submission from Illumina Laboratory Services, Illumina above.

Illumina Laboratory Services, Illumina
Classification: Benign for Autosomal recessive limb-girdle muscular dystrophy type 2J. Last evaluated: 2018-01-13. Review status: criteria provided, single submitter. Criteria: ICSL Variant Classification Criteria 13 December 2019. Collection method: clinical testing. Allele origin: germline.
Comment: the same text as in the submission from Illumina Laboratory Services, Illumina above.

Mayo Clinic Laboratories, Mayo Clinic
Classification: Benign. Last evaluated: 2017-08-24. Review status: criteria provided, single submitter. Criteria: ACMG Guidelines, 2015. Collection method: clinical testing. Allele origin: germline. Observed: 1,078 variant alleles.

Genetic Services Laboratory, University of Chicago
Classification: Benign for AllHighlyPenetrant. Last evaluated: 2013-08-15. Review status: criteria provided, single submitter. Criteria: ACMG Guidelines, 2007. Collection method: clinical testing. Allele origin: germline.

Eurofins Ntd Llc (ga)
Classification: Benign. Last evaluated: 2013-03-12. Review status: criteria provided, single submitter. Criteria: EGL Classification Definitions 2015. Collection method: clinical testing. Allele origin: germline. Observed: 1 variant allele, 1 heterozygote.

Ambry Genetics
Classification: Benign for Cardiovascular phenotype. Last evaluated: 2013-01-14. Review status: criteria provided, single submitter. Criteria: Ambry Autosomal Dominant and X-Linked criteria (10/2015). Collection method: clinical testing. Allele origin: germline. Observed: 1 variant allele.

GeneDx
Classification: Benign. Last evaluated: 2012-10-31. Review status: criteria provided, single submitter. Criteria: GeneDx Variant Classification (06012015). Collection method: clinical testing. Allele origin: germline. Affected: yes.
Comment: This variant is considered likely benign or benign based on one or more of the following criteria: it is a conservative change, it occurs at a poorly conserved position in the protein, it is predicted to be benign by multiple in silico algorithms, and/or has population frequency not consistent with disease.

Laboratory for Molecular Medicine, Mass General Brigham Personalized Medicine
Classification: Benign. Last evaluated: 2011-09-27. Review status: criteria provided, single submitter. Criteria: LMM Criteria. Collection method: clinical testing. Allele origin: germline. Observed: 857 variant alleles.

Breakthrough Genomics
Classification: Benign. Review status: criteria provided, single submitter. Criteria: ACMG Guidelines, 2015. Collection method: not provided. Allele origin: germline. Inheritance: Autosomal recessive inheritance. Affected: yes.

PreventionGenetics, part of Exact Sciences
Classification: Benign. Review status: criteria provided, single submitter. Criteria: ACMG Guidelines, 2015. Collection method: clinical testing. Allele origin: germline.

Clinical Genetics DNA and cytogenetics Diagnostics Lab, Erasmus MC, Erasmus Medical Center
Classification: Benign. Review status: no assertion criteria provided. Collection method: clinical testing. Allele origin: germline. Affected: yes. Study: VKGL Data-share Consensus. Not counted in ClinVar's aggregate classification.

Clinical Genetics, Academic Medical Center
Classification: Benign. Review status: no assertion criteria provided. Collection method: clinical testing. Allele origin: germline. Affected: yes. Study: VKGL Data-share Consensus. Not counted in ClinVar's aggregate classification.